The following is an entry in ClinVar:

NM_001378609.3(OTOGL):c.6758A>T (p.Tyr2253Phe)

Gene: OTOGL (otogelin like; plus strand). Cytogenetic location: 12q21.31.
Variant type: single nucleotide variant.
Coding change: c.6758A>T on transcript NM_001378609.3 (MANE Select); coding-DNA position 6758, A replaced by T.
Protein change: p.Tyr2253Phe; replaces tyrosine 2253 with phenylalanine.
Molecular consequence: missense variant.
Genome position (GRCh38, 1-based): chr12:80,372,041, A>T. VCF-style: chr12-80372041-A-T. GRCh37 (hg19) VCF-style: chr12-80765821-A-T.
Other names: c.6623A>T, p.Tyr2208Phe (NM_001368062.3); c.6758A>T, p.Tyr2253Phe (NM_001378610.3, NM_173591.7); short protein forms Y2208F, Y2253F.
Identifiers: ClinVar variation 4537943 (VCV004537943.1).

ClinVar aggregate classification (germline): Uncertain significance (1 of 4 stars; one submission).

gnomAD v4.1: 1 of 1,557,240 alleles (0.000064%); highest among the groups gnomAD compares: Non-Finnish European, 0.000087%; no homozygotes.

Submission:

GeneDx
Classification: Uncertain significance. Last evaluated: 2025-06-09. Review status: criteria provided, single submitter. Criteria: GeneDx Variant Classification Process June 2021. Collection method: clinical testing. Allele origin: germline. Affected: yes.
Comment: Not observed at significant frequency in large population cohorts (gnomAD); In silico analysis suggests that this missense variant does not alter protein structure/function; Has not been previously published as pathogenic or benign to our knowledge